The following is an entry in ClinVar:

ClinVar aggregate classification (germline): Conflicting classifications of pathogenicity. Review status: criteria provided, conflicting classifications (1 of 4 stars). 3 submissions from 3 submitters: Uncertain significance (2); Likely benign (1). Last evaluated 2025-12-09.

Conditions:
Hereditary cancer-predisposing syndrome. Also called: Tumor predisposition; Neoplastic Syndromes, Hereditary; Hereditary Cancer Syndrome; Hereditary neoplastic syndrome. Identifiers: Orphanet 140162, MedGen C0027672, MeSH D009386, MONDO:0015356.
POLD1-related polyposis and colorectal cancer syndrome (CRCS10). Also called: Colorectal cancer 10; COLORECTAL CANCER, SUSCEPTIBILITY TO, ON CHROMOSOME 19q; Colorectal cancer, susceptibility to, 10. Identifiers: Orphanet 220460, MedGen C2675481, MONDO:0012953, OMIM 612591.

Allele frequency attached by ClinVar (database versions not stated): gnomAD exomes below 0.00001; gnomAD 0.00001.
gnomAD v4.1: 6 of 1,596,184 alleles (0.00038%); highest among the groups gnomAD compares: Admixed American, 0.0017%; no homozygotes.

Submissions (3):

Labcorp Genetics (formerly Invitae), Labcorp
Classification: Uncertain significance for POLD1-related polyposis and colorectal cancer syndrome. Last evaluated: 2025-12-09. Review status: criteria provided, single submitter. Criteria: Invitae Variant Classification Sherloc (09022015). Collection method: clinical testing. Allele origin: germline.
Comment: This sequence change replaces valine, which is neutral and non-polar, with isoleucine, which is neutral and non-polar, at codon 1069 of the POLD1 protein (p.Val1069Ile). The frequency data for this variant in the population databases is considered unreliable, as metrics indicate poor data quality at this position in the gnomAD database. This variant has not been reported in the literature in individuals affected with POLD1-related conditions. ClinVar contains an entry for this variant (Variation ID: 537093). Invitae Evidence Modeling of protein sequence and biophysical properties (such as structural, functional, and spatial information, amino acid conservation, physicochemical variation, residue mobility, and thermodynamic stability) indicates that this missense variant is not expected to disrupt POLD1 protein function with a negative predictive value of 80%. In summary, the available evidence is currently insufficient to determine the role of this variant in disease. Therefore, it has been classified as a Variant of Uncertain Significance.

Ambry Genetics
Classification: Likely benign for Hereditary cancer-predisposing syndrome. Last evaluated: 2025-01-10. Review status: criteria provided, single submitter. Criteria: Ambry Variant Classification Scheme 2023. Collection method: clinical testing. Allele origin: germline.

GeneDx
Classification: Uncertain significance. Last evaluated: 2023-11-10. Review status: criteria provided, single submitter. Criteria: GeneDx Variant Classification Process June 2021. Collection method: clinical testing. Allele origin: germline. Affected: yes.
Comment: Not observed at significant frequency in large population cohorts (gnomAD); In silico analysis supports that this missense variant does not alter protein structure/function; Has not been previously published as pathogenic or benign to our knowledge; This variant is associated with the following publications: (PMID: 19296856)

NM_002691.4(POLD1):c.3205G>A (p.Val1069Ile)

Gene: POLD1 (DNA polymerase delta 1, catalytic subunit; plus strand). Cytogenetic location: 19q13.33.
Variant type: single nucleotide variant.
Coding change: c.3205G>A on transcript NM_002691.4 (MANE Select); coding-DNA position 3205, G replaced by A.
Protein change: p.Val1069Ile; replaces valine 1069 with isoleucine.
Molecular consequence: missense variant. On other transcripts: non-coding transcript variant (1).
Genome position (GRCh38, 1-based): chr19:50,417,256, G>A. VCF-style: chr19-50417256-G-A. GRCh37 (hg19) VCF-style: chr19-50920513-G-A.
Other names: c.3205G>A, p.Val1069Ile (NM_001256849.1); c.3283G>A, p.Val1095Ile (NM_001308632.1); c.3205G>A (NM_002691.2); short protein forms V1069I, V1095I.
Identifiers: ClinVar variation 537093 (VCV000537093.13), dbSNP rs1180107064, ClinGen allele CA406987533.